The following is an entry in ClinVar:

NM_000057.4(BLM):c.1410_1413del (p.Thr471fs)

Gene: BLM (BLM RecQ like helicase; plus strand). Cytogenetic location: 15q26.1.
Variant type: Deletion.
Coding change: c.1410_1413del on transcript NM_000057.4 (MANE Select); coding-DNA positions 1410 to 1413, 4 bases deleted (GACT; older notation c.1410_1413delGACT).
Protein change: p.Thr471fs; shifts the reading frame from threonine 471.
Molecular consequence: frameshift variant.
Genome position (GRCh38, 1-based): chr15:90,760,783-90,760,786, GACT deleted; deleting any 4 consecutive bases within chr15:90,760,780-90,760,786 gives the same sequence; the c. name uses the placement nearest the transcript's 3' end. VCF-style (leftmost placement, unchanged base first): chr15-90760779-TACTG-T. GRCh37 (hg19) VCF-style: chr15-91304009-TACTG-T.
Other names: c.1410_1413del, p.Thr471fs (NM_001287246.2, NM_001287247.2); c.285_288del, p.Thr96fs (NM_001287248.2); c.1410_1413delGACT (NM_000057.2); short protein forms T96fs, T471fs.
Identifiers: ClinVar variation 1386481 (VCV001386481.7), dbSNP rs2151158165, ClinGen allele CA2573151463.

ClinVar aggregate classification (germline): Pathogenic. Review status: criteria provided, multiple submitters, no conflicts (2 of 4 stars). 2 submissions from 2 submitters: Pathogenic (2). Last evaluated 2024-03-28.

Conditions:
Hereditary cancer-predisposing syndrome. Also called: Neoplastic Syndromes, Hereditary; Tumor predisposition; Hereditary neoplastic syndrome; Hereditary Cancer Syndrome. Identifiers: Orphanet 140162, MedGen C0027672, MeSH D009386, MONDO:0015356.
Bloom syndrome (BLM). Also called: Bloom-Torre-Machacek syndrome. Identifiers: Orphanet 125, MedGen C0005859, MONDO:0008876, OMIM 210900.

Submissions (2):

Labcorp Genetics (formerly Invitae), Labcorp
Classification: Pathogenic for Bloom syndrome. Last evaluated: 2024-03-28. Review status: criteria provided, single submitter. Criteria: Invitae Variant Classification Sherloc (09022015). Collection method: clinical testing. Allele origin: germline.
Comment: This sequence change creates a premature translational stop signal (p.Thr471Profs*3) in the BLM gene. It is expected to result in an absent or disrupted protein product. Loss-of-function variants in BLM are known to be pathogenic (PMID: 17407155). This variant is not present in population databases (gnomAD no frequency). This variant has not been reported in the literature in individuals affected with BLM-related conditions. ClinVar contains an entry for this variant (Variation ID: 1386481). For these reasons, this variant has been classified as Pathogenic.

Ambry Genetics
Classification: Pathogenic for Hereditary cancer-predisposing syndrome. Last evaluated: 2024-01-29. Review status: criteria provided, single submitter. Criteria: Ambry Variant Classification Scheme 2023. Collection method: clinical testing. Allele origin: germline.
Comment: The c.1410_1413delGACT pathogenic mutation, located in coding exon 6 of the BLM gene, results from a deletion of 4 nucleotides at nucleotide positions 1410 to 1413, causing a translational frameshift with a predicted alternate stop codon (p.T471Pfs*3). This variant is considered to be rare based on population cohorts in the Genome Aggregation Database (gnomAD). This alteration is expected to result in loss of function by premature protein truncation or nonsense-mediated mRNA decay. As such, this alteration is interpreted as a disease-causing mutation.

Literature cited by the submitters: PubMed 17407155 (cited by Labcorp Genetics (formerly Invitae), Labcorp).